The following is an entry in ClinVar:

ClinVar aggregate classification (germline): Uncertain significance. Review status: criteria provided, multiple submitters, no conflicts (2 of 4 stars). 3 submissions from 3 submitters: Uncertain significance (3). Last evaluated 2025-02-28.

Conditions:
Fanconi anemia (FA). Also called: Fanconi's anemia. Identifiers: Orphanet 84, MedGen C0015625, MeSH D005199, MONDO:0019391.
Fanconi anemia complementation group G. Also called: Fanconi anemia group G; FANCG-Related Fanconi Anemia. Identifiers: Orphanet 84, MedGen C3469527, MONDO:0013565, OMIM 614082.

Allele frequency attached by ClinVar (database versions not stated): TOPMed 0.00002; gnomAD 0.00003; gnomAD exomes 0.00003.
gnomAD v4.1: 48 of 1,614,030 alleles (0.003%); highest among the groups gnomAD compares: Non-Finnish European, 0.0038%; no homozygotes.

Submissions (3):

Dasa
Classification: Uncertain significance. Last evaluated: 2025-02-28. Review status: criteria provided, single submitter. Criteria: DASA Assertion Criteria. Collection method: clinical testing. Allele origin: germline.
Comment: NM_004629.2(FANCG):c.1498G>A (p.Glu500Lys) is a missense variant that results in the substitution of glutamic acid with lysine. This variant is rare in population databases. Computational prediction algorithms are consistent with a benign effect. The currently available literature and clinical evidence are not sufficient to establish a definitive association between this variant and the reported condition. Therefore, this variant is classified as a variant of uncertain significance.

Fulgent Genetics
Classification: Uncertain significance for Fanconi anemia complementation group G. Last evaluated: 2024-03-06. Review status: criteria provided, single submitter. Criteria: ACMG Guidelines, 2015. Collection method: clinical testing. Allele origin: germline.

Labcorp Genetics (formerly Invitae), Labcorp
Classification: Uncertain significance for Fanconi anemia. Last evaluated: 2022-05-04. Review status: criteria provided, single submitter. Criteria: Invitae Variant Classification Sherloc (09022015). Collection method: clinical testing. Allele origin: germline.
Comment: This sequence change replaces glutamic acid, which is acidic and polar, with lysine, which is basic and polar, at codon 500 of the FANCG protein (p.Glu500Lys). This variant is present in population databases (no rsID available, gnomAD 0.004%). This variant has not been reported in the literature in individuals affected with FANCG-related conditions. Algorithms developed to predict the effect of missense changes on protein structure and function are either unavailable or do not agree on the potential impact of this missense change (SIFT: "Tolerated"; PolyPhen-2: "Possibly Damaging"; Align-GVGD: "Class C0"). In summary, the available evidence is currently insufficient to determine the role of this variant in disease. Therefore, it has been classified as a Variant of Uncertain Significance.

NM_004629.2(FANCG):c.1498G>A (p.Glu500Lys)

Gene: FANCG (FA complementation group G; minus strand). Cytogenetic location: 9p13.3.
Variant type: single nucleotide variant.
Coding change: c.1498G>A on transcript NM_004629.2 (MANE Select); coding-DNA position 1498, G replaced by A.
Protein change: p.Glu500Lys; replaces glutamic acid 500 with lysine.
Molecular consequence: missense variant.
Genome position (GRCh38, 1-based): chr9:35,075,065, C>T on the plus strand (G>A on the coding strand, the complement: FANCG is on the minus strand). VCF-style: chr9-35075065-C-T. GRCh37 (hg19) VCF-style: chr9-35075062-C-T.
Other names: short protein forms E500K.
Identifiers: ClinVar variation 2056153 (VCV002056153.4), dbSNP rs906734281, ClinGen allele CA192692451.
Genomic context (GRCh38, chr9:35,075,065, plus strand): 5'-GACTAATTAGGGCGGCTGCCCGAAGCTGCTGCAGTGCCGCATCTGACTTACATCCCTGCT[C>T]ACAGTTGAAAGCTGCCCCTGGGGACCACTCCCAAAGTCAAGAAGTGTCTTCCCAGCCTCA-3'
Protein context (NP_004620.1, residues 490-510): EKEQGAAFNC[Glu500Lys]QGCKSDAALQ